The following is an entry in ClinVar:

ClinVar aggregate classification (germline): Uncertain significance (1 of 4 stars; one submission).

gnomAD v4.1: 5 of 1,613,368 alleles (0.00031%); highest among the groups gnomAD compares: Non-Finnish European, 0.00042%; no homozygotes.

Submission:

GeneDx
Classification: Uncertain significance. Last evaluated: 2025-08-13. Review status: criteria provided, single submitter. Criteria: GeneDx Variant Classification Process June 2021. Collection method: clinical testing. Allele origin: germline. Affected: yes.
Comment: Not observed at significant frequency in large population cohorts (gnomAD); Missense variant in a gene in which most reported pathogenic variants are truncating/loss of function; Has not been previously published as pathogenic or benign to our knowledge; Reported using an alternate transcript of the gene

NM_001267550.2(TTN):c.11311+1468G>A

Gene: TTN (titin; minus strand). Cytogenetic location: 2q31.2.
Variant type: single nucleotide variant.
Coding change: c.11311+1468G>A on transcript NM_001267550.2 (MANE Select); 1468 bases into the intron after coding-DNA position 11311, G replaced by A.
Molecular consequence: intron variant. On other transcripts: missense variant (1).
Genome position (GRCh38, 1-based): chr2:178,751,656, C>T on the plus strand (G>A on the coding strand, the complement: TTN is on the minus strand). VCF-style: chr2-178751656-C-T. GRCh37 (hg19) VCF-style: chr2-179616383-C-T.
Other names: c.10744G>A, p.Ala3582Thr (NM_133379.5); c.10222+1468G>A (NM_003319.4); c.10798+1468G>A (NM_133437.4); c.10597+1468G>A (NM_133432.3); c.10360+1468G>A (NM_133378.4, NM_001256850.1); short protein forms A3582T.
Identifiers: ClinVar variation 4795696 (VCV004795696.1).